The following is an entry in ClinVar:

NM_001106.4(ACVR2B):c.*1613C>T

Gene: ACVR2B (activin A receptor type 2B; plus strand). Cytogenetic location: 3p22.2.
Variant type: single nucleotide variant.
Coding change: c.*1613C>T on transcript NM_001106.4 (MANE Select); 1613 bases downstream of the stop codon, C replaced by T.
Molecular consequence: 3 prime UTR variant.
Genome position (GRCh38, 1-based): chr3:38,484,945, C>T. VCF-style: chr3-38484945-C-T. GRCh37 (hg19) VCF-style: chr3-38526436-C-T.
Identifiers: ClinVar variation 344949 (VCV000344949.5), dbSNP rs539790661, ClinGen allele CA10618206.

ClinVar aggregate classification (germline): Likely benign (1 of 4 stars; one submission).

Conditions:
Heterotaxy, visceral, 4, autosomal (HTX4). Identifiers: Orphanet 450, MedGen C3151057, MONDO:0013403, OMIM 613751.

Allele frequency attached by ClinVar (database versions not stated): 1000 Genomes Project 30x 0.00203; 1000 Genomes Project 0.00220; gnomAD exomes 0.00240; gnomAD 0.00312; TOPMed 0.00385.
gnomAD v4.1: 634 of 152,700 alleles (0.42%); highest among the groups gnomAD compares: Middle Eastern, 1%; 2 homozygotes.

Submission:

Illumina Laboratory Services, Illumina
Classification: Likely benign for Heterotaxy, visceral, 4, autosomal. Last evaluated: 2018-01-13. Review status: criteria provided, single submitter. Criteria: ICSL Variant Classification Criteria 13 December 2019. Collection method: clinical testing. Allele origin: germline.
Comment: This variant was observed in the ICSL laboratory as part of a predisposition screen in an ostensibly healthy population. It had not been previously curated by ICSL or reported in the Human Gene Mutation Database (HGMD: prior to June 1st, 2018), and was therefore a candidate for classification through an automated scoring system. Utilizing variant allele frequency, disease prevalence and penetrance estimates, and inheritance mode, an automated score was calculated to assess if this variant is too frequent to cause the disease. Based on the score and internal cut-off values, a variant classified as likely benign is not then subjected to further curation. The score for this variant resulted in a classification of likely benign for this disease.